The following is an entry in ClinVar:

ClinVar aggregate classification (germline): Uncertain significance (1 of 4 stars; one submission).

Conditions:
Hereditary sensory and autonomic neuropathy type 1 (HSAN1). Also called: HSN Type I; Hereditary Sensory Neuropathy Type I; HSAN 1. Identifiers: Orphanet 36386, MedGen C0020071, MONDO:0018213.

Submission:

Labcorp Genetics (formerly Invitae), Labcorp
Classification: Uncertain significance for Hereditary sensory and autonomic neuropathy type 1. Last evaluated: 2019-09-03. Review status: criteria provided, single submitter. Criteria: Invitae Variant Classification Sherloc (09022015). Collection method: clinical testing. Allele origin: germline.
Comment: The current clinical and genetic evidence is not sufficient to establish whether loss-of-function variants in SPTLC1 cause disease. Algorithms developed to predict the effect of sequence changes on RNA splicing suggest that this variant may create or strengthen a splice site, but this prediction has not been confirmed by published transcriptional studies. This variant has not been reported in the literature in individuals with SPTLC1-related conditions. This variant is not present in population databases (ExAC no frequency). This sequence change creates a premature translational stop signal (p.Gln407*) in the SPTLC1 gene. It is expected to result in an absent or disrupted protein product. In summary, the available evidence is currently insufficient to determine the role of this variant in disease. Therefore, it has been classified as a Variant of Uncertain Significance.

NM_006415.4(SPTLC1):c.1219C>T (p.Gln407Ter)

Gene: SPTLC1 (serine palmitoyltransferase long chain base subunit 1; minus strand). Cytogenetic location: 9q22.31.
Variant type: single nucleotide variant.
Coding change: c.1219C>T on transcript NM_006415.4 (MANE Select); coding-DNA position 1219, C replaced by T.
Protein change: p.Gln407Ter; replaces glutamine 407 with a stop codon.
Molecular consequence: nonsense.
Genome position (GRCh38, 1-based): chr9:92,038,283, G>A on the plus strand (C>T on the coding strand, the complement: SPTLC1 is on the minus strand). VCF-style: chr9-92038283-G-A. GRCh37 (hg19) VCF-style: chr9-94800565-G-A.
Other names: c.1219C>T, p.Gln407Ter (NM_001281303.2); c.853C>T, p.Gln285Ter (NM_001368272.1); c.754C>T, p.Gln252Ter (NM_001368273.1); short protein forms Q285*, Q252*, Q407*.
Identifiers: ClinVar variation 963274 (VCV000963274.7), dbSNP rs1833214197, ClinGen allele CA373790489.